The following is an entry in ClinVar:

NM_003835.4(RGS9):c.1715C>G (p.Ala572Gly)

Gene: RGS9 (regulator of G protein signaling 9; plus strand). Cytogenetic location: 17q24.1.
Variant type: single nucleotide variant.
Coding change: c.1715C>G on transcript NM_003835.4 (MANE Select); coding-DNA position 1715, C replaced by G.
Protein change: p.Ala572Gly; replaces alanine 572 with glycine.
Molecular consequence: missense variant.
Genome position (GRCh38, 1-based): chr17:65,225,309, C>G. VCF-style: chr17-65225309-C-G. GRCh37 (hg19) VCF-style: chr17-63221427-C-G.
Other names: c.1706C>G, p.Ala569Gly (NM_001081955.3); short protein forms A569G, A572G.
Identifiers: ClinVar variation 1058134 (VCV001058134.7), dbSNP rs755329203, ClinGen allele CA400673835.

ClinVar aggregate classification (germline): Uncertain significance (1 of 4 stars; one submission).

Submission:

Labcorp Genetics (formerly Invitae), Labcorp
Classification: Uncertain significance. Last evaluated: 2023-06-19. Review status: criteria provided, single submitter. Criteria: Invitae Variant Classification Sherloc (09022015). Collection method: clinical testing. Allele origin: germline.
Comment: This sequence change replaces alanine, which is neutral and non-polar, with glycine, which is neutral and non-polar, at codon 572 of the RGS9 protein (p.Ala572Gly). This variant is present in population databases (no rsID available, gnomAD 0.01%). This variant has not been reported in the literature in individuals affected with RGS9-related conditions. ClinVar contains an entry for this variant (Variation ID: 1058134). Algorithms developed to predict the effect of missense changes on protein structure and function output the following: SIFT: "Not Available"; PolyPhen-2: "Benign"; Align-GVGD: "Not Available". The glycine amino acid residue is found in multiple mammalian species, which suggests that this missense change does not adversely affect protein function. In summary, the available evidence is currently insufficient to determine the role of this variant in disease. Therefore, it has been classified as a Variant of Uncertain Significance.